The following is an entry in ClinVar:

ClinVar aggregate classification (germline): Uncertain significance. Review status: criteria provided, multiple submitters, no conflicts (2 of 4 stars). 2 submissions from 2 submitters: Uncertain significance (2). Last evaluated 2022-08-31.

Conditions:
Combined immunodeficiency with skin granulomas. Identifiers: Orphanet 157949, MedGen C2673536, MONDO:0009306, OMIM 233650.
Severe combined immunodeficiency, autosomal recessive, T cell-negative, B cell-negative, NK cell-positive. Also called: Severe combined immunodeficiency due to complete RAG1/2 deficiency; SCID, T CELL-NEGATIVE, B CELL-NEGATIVE, NK CELL-POSITIVE; SCID, AR, T-cell negative, B-cell negative, NK cell-positive. Identifiers: Orphanet 331206, MedGen C1832322, MONDO:0011086, OMIM 601457.

Submissions (2):

Blueprint Genetics
Classification: Uncertain significance. Last evaluated: 2022-08-31. Review status: criteria provided, single submitter. Criteria: ACMG Guidelines, 2015. Collection method: clinical testing. Allele origin: germline.

Labcorp Genetics (formerly Invitae), Labcorp
Classification: Uncertain significance for Combined immunodeficiency with skin granulomas; Severe combined immunodeficiency, autosomal recessive, T cell-negative, B cell-negative, NK cell-positive. Last evaluated: 2021-11-01. Review status: criteria provided, single submitter. Criteria: Invitae Variant Classification Sherloc (09022015). Collection method: clinical testing. Allele origin: germline.
Comment: This variant, c.794_796del, results in the deletion of 1 amino acid(s) of the RAG1 protein (p.Lys265del), but otherwise preserves the integrity of the reading frame. This variant is present in population databases (rs766378998, gnomAD 0.08%). This variant has not been reported in the literature in individuals affected with RAG1-related conditions. ClinVar contains an entry for this variant (Variation ID: 966319). Experimental studies and prediction algorithms are not available or were not evaluated, and the functional significance of this variant is currently unknown. In summary, the available evidence is currently insufficient to determine the role of this variant in disease. Therefore, it has been classified as a Variant of Uncertain Significance.

NM_000448.3(RAG1):c.791AGA[1] (p.Lys265del)

Gene: RAG1 (recombination activating 1; plus strand). Cytogenetic location: 11p12.
Variant type: Microsatellite.
Coding change: c.791AGA[1] on transcript NM_000448.3 (MANE Select); one copy of the 3-base unit AGA starting at c.791; the reference has two copies in a row; one copy, 3 bases deleted.
Protein change: p.Lys265del; deletes lysine 265.
Molecular consequence: inframe deletion.
Genome position (GRCh38, 1-based): chr11:36,574,098-36,574,100, AGA deleted; deleting any 3 consecutive bases within chr11:36,574,093-36,574,100 gives the same sequence; the position shown is the placement nearest the transcript's 3' end. VCF-style (leftmost placement, unchanged base first): chr11-36574092-TGAA-T. GRCh37 (hg19) VCF-style: chr11-36595642-TGAA-T.
Other names: c.791AGA[1], p.Lys265del (NM_001377277.1, NM_001377278.1, NM_001377279.1 and 1 more transcripts); short protein forms K265del.
Identifiers: ClinVar variation 966319 (VCV000966319.5), dbSNP rs766378998, ClinGen allele CA5950053.